The following is an entry in ClinVar:

NM_153700.2(STRC):c.4844+15G>A

Gene: STRC (stereocilin; minus strand). Cytogenetic location: 15q15.3.
Variant type: single nucleotide variant.
Coding change: c.4844+15G>A on transcript NM_153700.2 (MANE Select); 15 bases into the intron after coding-DNA position 4844, G replaced by A.
Molecular consequence: intron variant.
Genome position (GRCh38, 1-based): chr15:43,600,857, C>T on the plus strand (G>A on the coding strand, the complement: STRC is on the minus strand). VCF-style: chr15-43600857-C-T. GRCh37 (hg19) VCF-style: chr15-43893055-C-T.
Identifiers: ClinVar variation 227971 (VCV000227971.5), dbSNP rs749407115, ClinGen allele CA7527878.
Genomic context (GRCh38, chr15:43,600,857, plus strand): 5'-CCTTCATGATCCTTCTTTCCCCAGTAAGTCCACCTTTACCTCAGCACCACCACCCTCAGC[C>T]CCTTCACAAATGACCTGAACTCCCAACTGCTGATGTGCTGGAGCTCCTCTGGCCGCAGTC-3'

ClinVar aggregate classification (germline): Likely benign (1 of 4 stars; one submission).

Allele frequency attached by ClinVar (database versions not stated): gnomAD 0.00002 and 0.00001; gnomAD exomes 0.00002 and 0.00004; ExAC 0.00005; TOPMed 0.00006.
gnomAD v4.1: 27 of 1,613,658 alleles (0.0017%); highest among the groups gnomAD compares: East Asian, 0.06%; no homozygotes.

Submission:

Laboratory for Molecular Medicine, Mass General Brigham Personalized Medicine
Classification: Likely benign. Last evaluated: 2015-06-10. Review status: criteria provided, single submitter. Criteria: LMM Criteria. Collection method: clinical testing. Allele origin: germline. Observed: 1 variant allele.
Comment: c.4844+15G>A in intron 25 of STRC: This variant is not expected to have clinical significance because it is not located within the splice consensus sequence. It has been identified in 0.1% (6/8648) of East Asian chromosomes by the Exome Agg regation Consortium (ExAC).